The following is an entry in ClinVar:

NM_152309.3(PIK3AP1):c.1690G>A (p.Glu564Lys)

Gene: PIK3AP1 (phosphoinositide-3-kinase adaptor protein 1; minus strand). Cytogenetic location: 10q24.1.
Variant type: single nucleotide variant.
Coding change: c.1690G>A on transcript NM_152309.3 (MANE Select); coding-DNA position 1690, G replaced by A.
Protein change: p.Glu564Lys; replaces glutamic acid 564 with lysine.
Molecular consequence: missense variant.
Genome position (GRCh38, 1-based): chr10:96,623,517, C>T on the plus strand (G>A on the coding strand, the complement: PIK3AP1 is on the minus strand). VCF-style: chr10-96623517-C-T. GRCh37 (hg19) VCF-style: chr10-98383274-C-T.
Other names: short protein forms E564K.
Identifiers: ClinVar variation 1440562 (VCV001440562.8), dbSNP rs1274478777, ClinGen allele CA377755639.

ClinVar aggregate classification (germline): Uncertain significance (1 of 4 stars; one submission).

Conditions:
Infantile spasms. Also called: Infantile spasm. Identifiers: MedGen C3887898, HP:0012469.

Allele frequency attached by ClinVar (database versions not stated): gnomAD exomes below 0.00001.
gnomAD v4.1: 3 of 1,611,180 alleles (0.00019%); highest among the groups gnomAD compares: African/African-American, 0.0013%; no homozygotes.

Submission:

Labcorp Genetics (formerly Invitae), Labcorp
Classification: Uncertain significance for Infantile spasms. Last evaluated: 2022-10-24. Review status: criteria provided, single submitter. Criteria: Invitae Variant Classification Sherloc (09022015). Collection method: clinical testing. Allele origin: germline.
Comment: This variant has not been reported in the literature in individuals affected with PIK3AP1-related conditions. In summary, the available evidence is currently insufficient to determine the role of this variant in disease. Therefore, it has been classified as a Variant of Uncertain Significance. Algorithms developed to predict the effect of missense changes on protein structure and function (SIFT, PolyPhen-2, Align-GVGD) all suggest that this variant is likely to be tolerated. ClinVar contains an entry for this variant (Variation ID: 1440562). This variant is not present in population databases (gnomAD no frequency). This sequence change replaces glutamic acid, which is acidic and polar, with lysine, which is basic and polar, at codon 564 of the PIK3AP1 protein (p.Glu564Lys).